The following is an entry in ClinVar:

NM_006019.4(TCIRG1):c.384C>A (p.His128Gln)

Gene: TCIRG1 (T cell immune regulator 1, ATPase H+ transporting V0 subunit a3; plus strand). Cytogenetic location: 11q13.2.
Variant type: single nucleotide variant.
Coding change: c.384C>A on transcript NM_006019.4 (MANE Select); coding-DNA position 384, C replaced by A.
Protein change: p.His128Gln; replaces histidine 128 with glutamine.
Molecular consequence: missense variant. On other transcripts: 5 prime UTR variant (1).
Genome position (GRCh38, 1-based): chr11:68,042,830, C>A. VCF-style: chr11-68042830-C-A. GRCh37 (hg19) VCF-style: chr11-67810297-C-A.
Other names: c.-866C>A (NM_001351059.2); short protein forms H128Q.
Identifiers: ClinVar variation 3630804 (VCV003630804.2).

ClinVar aggregate classification (germline): Uncertain significance (1 of 4 stars; one submission).

gnomAD v4.1: 62 of 1,548,648 alleles (0.004%); highest among the groups gnomAD compares: Admixed American, 0.12%; no homozygotes.

Submission:

Labcorp Genetics (formerly Invitae), Labcorp
Classification: Uncertain significance. Last evaluated: 2026-01-26. Review status: criteria provided, single submitter. Criteria: Invitae Variant Classification Sherloc (09022015). Collection method: clinical testing. Allele origin: germline.
Comment: This sequence change replaces histidine, which is basic and polar, with glutamine, which is neutral and polar, at codon 128 of the TCIRG1 protein (p.His128Gln). This variant is present in population databases (rs3808973, gnomAD 0.08%). This variant has not been reported in the literature in individuals affected with TCIRG1-related conditions. ClinVar contains an entry for this variant (Variation ID: 3630804). Invitae Evidence Modeling of protein sequence and biophysical properties (such as structural, functional, and spatial information, amino acid conservation, physicochemical variation, residue mobility, and thermodynamic stability) indicates that this missense variant is not expected to disrupt TCIRG1 protein function with a negative predictive value of 80%. In summary, the available evidence is currently insufficient to determine the role of this variant in disease. Therefore, it has been classified as a Variant of Uncertain Significance.